The following is an entry in ClinVar:

NM_000059.4(BRCA2):c.516+5A>G

Gene: BRCA2 (BRCA2 DNA repair associated; plus strand). Cytogenetic location: 13q13.1.
Variant type: single nucleotide variant.
Coding change: c.516+5A>G on transcript NM_000059.4 (MANE Select); 5 bases into the intron after coding-DNA position 516, A replaced by G.
Molecular consequence: intron variant.
Genome position (GRCh38, 1-based): chr13:32,326,287, A>G. VCF-style: chr13-32326287-A-G. GRCh37 (hg19) VCF-style: chr13-32900424-A-G.
Other names: c.516+5A>G (NM_000059.3, NM_001406720.1, NM_001406719.1 and 1 more transcripts); c.147+5A>G (NM_001406722.1).
Identifiers: ClinVar variation 2692675 (VCV002692675.4), dbSNP rs2137450728, ClinGen allele CA2697551692.

ClinVar aggregate classification (germline): Conflicting classifications of pathogenicity. Review status: criteria provided, conflicting classifications (1 of 4 stars). 2 submissions from 2 submitters: Uncertain significance (1); Likely benign (1). Last evaluated 2025-12-10.

Conditions:
Hereditary cancer-predisposing syndrome. Also called: Neoplastic Syndromes, Hereditary; Hereditary Cancer Syndrome; Tumor predisposition; Hereditary neoplastic syndrome. Identifiers: Orphanet 140162, MedGen C0027672, MeSH D009386, MONDO:0015356.
Hereditary breast ovarian cancer syndrome. Also called: Hereditary breast and ovarian cancer syndrome (HBOC); Breast and ovarian cancer; Hereditary breast and ovarian cancer; Hereditary breast and ovarian cancer syndrome; BRCA1- and BRCA2-Associated Hereditary Breast and Ovarian Cancer; Hereditary breast and/or ovarian cancer syndrome. Identifiers: Orphanet 145, MedGen C0677776, MeSH D061325, MONDO:0003582. Disease mechanism: loss of function.

Submissions (2):

Ambry Genetics
Classification: Uncertain significance for Hereditary cancer-predisposing syndrome. Last evaluated: 2025-12-10. Review status: criteria provided, single submitter. Criteria: Ambry Variant Classification Scheme 2023. Collection method: clinical testing. Allele origin: germline.
Comment: The c.516+5A>G intronic variant results from an A to G substitution 5 nucleotides after coding exon 5 in the BRCA2 gene. This nucleotide position is not well conserved in available vertebrate species. In silico splice site analysis predicts that this alteration will not have any significant effect on splicing. Based on the available evidence, the clinical significance of this variant remains unclear.

Labcorp Genetics (formerly Invitae), Labcorp
Classification: Likely benign for Hereditary breast ovarian cancer syndrome. Last evaluated: 2023-11-08. Review status: criteria provided, single submitter. Criteria: Invitae Variant Classification Sherloc (09022015). Collection method: clinical testing. Allele origin: germline.